The following is an entry in ClinVar:

ClinVar aggregate classification (germline): Uncertain significance. Review status: criteria provided, multiple submitters, no conflicts (2 of 4 stars). 2 submissions from 2 submitters: Uncertain significance (2). Last evaluated 2025-03-17.

Allele frequency attached by ClinVar (database versions not stated): ExAC 0.00004; gnomAD 0.00007 and 0.00009; ESP Exome Variant Server 0.00008; TOPMed 0.00012.
gnomAD v4.1: 42 of 1,613,862 alleles (0.0026%); highest among the groups gnomAD compares: African/African-American, 0.029%; 1 homozygote.

Submissions (2):

Ambry Genetics
Classification: Uncertain significance. Last evaluated: 2025-03-17. Review status: criteria provided, single submitter. Criteria: Ambry Variant Classification Scheme 2023. Collection method: clinical testing. Allele origin: germline.

Labcorp Genetics (formerly Invitae), Labcorp
Classification: Uncertain significance. Last evaluated: 2025-02-10. Review status: criteria provided, single submitter. Criteria: Invitae Variant Classification Sherloc (09022015). Collection method: clinical testing. Allele origin: germline.
Comment: This sequence change replaces threonine, which is neutral and polar, with methionine, which is neutral and non-polar, at codon 1208 of the DSCAML1 protein (p.Thr1208Met). This variant is present in population databases (rs147519443, gnomAD 0.01%). This variant has not been reported in the literature in individuals affected with DSCAML1-related conditions. ClinVar contains an entry for this variant (Variation ID: 1401417). An algorithm developed to predict the effect of missense changes on protein structure and function (PolyPhen-2) suggests that this variant is likely to be tolerated. In summary, the available evidence is currently insufficient to determine the role of this variant in disease. Therefore, it has been classified as a Variant of Uncertain Significance.

NM_020693.4(DSCAML1):c.3443C>T (p.Thr1148Met)

Gene: DSCAML1 (DS cell adhesion molecule like 1; minus strand). Cytogenetic location: 11q23.3.
Variant type: single nucleotide variant.
Coding change: c.3443C>T on transcript NM_020693.4 (MANE Select); coding-DNA position 3443, C replaced by T.
Protein change: p.Thr1148Met; replaces threonine 1148 with methionine.
Molecular consequence: missense variant.
Genome position (GRCh38, 1-based): chr11:117,458,879, G>A on the plus strand (C>T on the coding strand, the complement: DSCAML1 is on the minus strand). VCF-style: chr11-117458879-G-A. GRCh37 (hg19) VCF-style: chr11-117329595-G-A.
Other names: c.3623C>T (NM_020693.2); short protein forms T1148M.
Identifiers: ClinVar variation 1401417 (VCV001401417.8), dbSNP rs147519443, ClinGen allele CA6296682.